The following is an entry in ClinVar:

ClinVar aggregate classification (germline): Uncertain significance (1 of 4 stars; one submission).

Conditions:
Neutropenia, severe congenital, 2, autosomal dominant. Identifiers: Orphanet 486, MedGen C2751288, MONDO:0013139, OMIM 613107.

Submission:

Labcorp Genetics (formerly Invitae), Labcorp
Classification: Uncertain significance for Neutropenia, severe congenital, 2, autosomal dominant. Last evaluated: 2021-05-03. Review status: criteria provided, single submitter. Criteria: Invitae Variant Classification Sherloc (09022015). Collection method: clinical testing. Allele origin: germline.
Comment: In summary, the available evidence is currently insufficient to determine the role of this variant in disease. Therefore, it has been classified as a Variant of Uncertain Significance. Algorithms developed to predict the effect of missense changes on protein structure and function are either unavailable or do not agree on the potential impact of this missense change (SIFT: "Tolerated"; PolyPhen-2: "Probably Damaging"; Align-GVGD: "Class C0"). This variant has not been reported in the literature in individuals with GFI1-related conditions. This variant is not present in population databases (ExAC no frequency). This sequence change replaces serine with arginine at codon 279 of the GFI1 protein (p.Ser279Arg). The serine residue is moderately conserved and there is a moderate physicochemical difference between serine and arginine.

NM_005263.5(GFI1):c.837C>G (p.Ser279Arg)

Gene: GFI1 (growth factor independent 1 transcriptional repressor; minus strand). Cytogenetic location: 1p22.1.
Variant type: single nucleotide variant.
Coding change: c.837C>G on transcript NM_005263.5 (MANE Select); coding-DNA position 837, C replaced by G.
Protein change: p.Ser279Arg; replaces serine 279 with arginine.
Molecular consequence: missense variant.
Genome position (GRCh38, 1-based): chr1:92,480,435, G>C on the plus strand (C>G on the coding strand, the complement: GFI1 is on the minus strand). VCF-style: chr1-92480435-G-C. GRCh37 (hg19) VCF-style: chr1-92945992-G-C.
Other names: c.837C>G, p.Ser279Arg (NM_001127215.3, NM_001127216.3); short protein forms S279R.
Identifiers: ClinVar variation 1365380 (VCV001365380.8), dbSNP rs1658171658, ClinGen allele CA341148615.